The following is an entry in ClinVar:

NM_000232.5(SGCB):c.-8_8dup (p.Ala4fs)

Genes: SGCB (sarcoglycan beta; minus strand), LOC129992585 (ATAC-STARR-seq lymphoblastoid silent region 15421; plus strand). Cytogenetic location: 4q12.
Variant type: Duplication.
Coding change: c.-8_8dup on transcript NM_000232.5 (MANE Select); 8 bases upstream of the start codon through coding-DNA position 8, 16 bases duplicated (GCGGGAAGATGGCGGC).
Protein change: p.Ala4fs; shifts the reading frame from alanine 4.
Molecular consequence: frameshift variant, initiator codon variant.
Genome position (GRCh38, 1-based): chr4:52,038,252-52,038,267, GCCGCCATCTTCCCGC duplicated on the plus strand (GCGGGAAGATGGCGGC on the coding strand, the reverse complement: SGCB is on the minus strand); duplicating any 16 consecutive bases within chr4:52,038,252-52,038,270 gives the same sequence; the c. name uses the placement nearest the transcript's 3' end. VCF-style (leftmost placement, unchanged base first): chr4-52038251-T-TGCCGCCATCTTCCCGC. GRCh37 (hg19) VCF-style: chr4-52904417-T-TGCCGCCATCTTCCCGC.
Other names: short protein forms A4fs.
Identifiers: ClinVar variation 2700315 (VCV002700315.3), dbSNP rs2475237489, ClinGen allele CA2670614632.

ClinVar aggregate classification (germline): Pathogenic (1 of 4 stars; one submission).

Conditions:
Autosomal recessive limb-girdle muscular dystrophy type 2E (LGMDR4). Also called: MUSCULAR DYSTROPHY, LIMB-GIRDLE, AUTOSOMAL RECESSIVE 4. Identifiers: Orphanet 119, MedGen C1858593, MONDO:0011423, OMIM 604286. Disease mechanism: Affects gamma-sarcoglycan and also disrupts the integrity of the entire sarcoglycan complex..

Submission:

Labcorp Genetics (formerly Invitae), Labcorp
Classification: Pathogenic for Autosomal recessive limb-girdle muscular dystrophy type 2E. Last evaluated: 2023-12-02. Review status: criteria provided, single submitter. Criteria: Invitae Variant Classification Sherloc (09022015). Collection method: clinical testing. Allele origin: germline.
Comment: This sequence change creates a premature translational stop signal (p.Ala4Argfs*26) in the SGCB gene. It is expected to result in an absent or disrupted protein product. Loss-of-function variants in SGCB are known to be pathogenic (PMID: 15938573, 18285821). This variant is not present in population databases (gnomAD no frequency). This variant has not been reported in the literature in individuals affected with SGCB-related conditions. For these reasons, this variant has been classified as Pathogenic.

Literature cited by the submitters: PubMed 15938573; PubMed 18285821.